The following is an entry in ClinVar:

NC_000017.10:g.(?_41249255)_(41258556_?)dup

Gene: BRCA1 (BRCA1 DNA repair associated; minus strand). Cytogenetic location: 17q21.31.
Variant type: Duplication.
Identifiers: ClinVar variation 583854 (VCV000583854.3).

ClinVar aggregate classification (germline): Uncertain significance (1 of 4 stars; one submission).

Conditions:
Hereditary breast ovarian cancer syndrome. Also called: Hereditary breast and ovarian cancer syndrome; Hereditary breast and/or ovarian cancer syndrome; Hereditary breast and ovarian cancer syndrome (HBOC); Breast and ovarian cancer; BRCA1- and BRCA2-Associated Hereditary Breast and Ovarian Cancer; Hereditary breast and ovarian cancer. Identifiers: Orphanet 145, MedGen C0677776, MeSH D061325, MONDO:0003582. Disease mechanism: loss of function.

Submission:

Labcorp Genetics (formerly Invitae), Labcorp
Classification: Uncertain significance for Hereditary breast ovarian cancer syndrome. Last evaluated: 2018-02-15. Review status: criteria provided, single submitter. Criteria: Invitae Variant Classification Sherloc (09022015). Collection method: clinical testing. Allele origin: germline.
Comment: This variant is a gross duplication of the genomic region encompassing exons 4-8 of the BRCA1 gene. While the exact position of the duplicated exons cannot be determined from this data, sub-genic duplications are generally in tandem (PMID: 25640679). This duplication would be expected to be in-frame, preserving the integrity of the reading frame. This variant has been reported in an individual with a personal and family history of ovarian cancer (PMID: 20638108). Due to alternative exon nomenclature, this variant is also known as a duplication of exons 5-9 in the literature. In summary, the available evidence is currently insufficient to determine the role of this variant in disease. Therefore, it has been classified as a Variant of Uncertain Significance. Experimental studies and prediction algorithms are not available for this variant, and the functional significance of the duplicated amino acids is currently unknown.

Literature cited by the submitters: PubMed 25640679; PubMed 20638108.